The following is an entry in ClinVar:

ClinVar aggregate classification (germline): Likely pathogenic (1 of 4 stars; one submission).

Conditions:
Developmental and epileptic encephalopathy, 2 (DEE2). Also called: INFANTILE SPASM SYNDROME, X-LINKED 2; CDKL5 deficiency disorder. Identifiers: Orphanet 1934, Orphanet 3451, Orphanet 505652, MedGen C4750718, MONDO:0010396, OMIM 300672.

Submission:

Diagnostics Services (NGS), CSIR - Centre For Cellular And Molecular Biology
Classification: Likely pathogenic for Developmental and epileptic encephalopathy, 2. Last evaluated: 2024-01-05. Review status: criteria provided, single submitter. Criteria: ACMG Guidelines, 2015. Collection method: clinical testing. Allele origin: unknown. Affected: yes. Observed: 1 variant allele, 1 heterozygote.
Comment: The c.1082del variant is not present in publicly available population databases like 1000 Genomes, EVS, ExAC, gnomAD, Indian Exome Database or our in-house exome database. This variant has neither been published in literature with TTC19-related conditions nor reported to clinical databases like ClinVar, Human Genome Mutation Database (HGMD) or OMIM, in any affected individuals. In-silico pathogenicity prediction programs like MutationTaster2, CADD, Varsome, Franklin etc predicted this variant to be likely deleterious. This variant causes frameshift at the 361st amino acid position of the wild-type transcript that creates a premature translational stop codon in the altered transcript that may either result in translation of a truncated protein or cause nonsense mediated decay of the mRNA.

NM_001323289.2(CDKL5):c.1082del (p.Pro361fs)

Gene: CDKL5 (cyclin dependent kinase like 5; plus strand). Cytogenetic location: Xp22.13.
Variant type: Deletion.
Coding change: c.1082del on transcript NM_001323289.2 (MANE Select); coding-DNA position 1082, one base deleted (C; older notation c.1082delC).
Protein change: p.Pro361fs; shifts the reading frame from proline 361.
Molecular consequence: frameshift variant.
Genome position (GRCh38, 1-based): chrX:18,604,006, C deleted; the last of 3 consecutive C bases (chrX:18,604,004-18,604,006); deleting any one gives the same sequence. VCF-style (leftmost placement, unchanged base first): chrX-18604003-TC-T. GRCh37 (hg19) VCF-style: chrX-18622123-TC-T.
Other names: c.1082del, p.Pro361fs (NM_001037343.2, NM_003159.3); short protein forms P361fs.
Identifiers: ClinVar variation 2683760 (VCV002683760.1), dbSNP rs267608566, ClinGen allele CA2697552874.